The following is an entry in ClinVar:

ClinVar aggregate classification (germline): Uncertain significance (1 of 4 stars; one submission).

Submission:

Ambry Genetics
Classification: Uncertain significance. Last evaluated: 2024-04-10. Review status: criteria provided, single submitter. Criteria: Ambry Variant Classification Scheme 2023. Collection method: clinical testing. Allele origin: germline.
Comment: The p.K1334Q variant (also known as c.4000A>C), located in coding exon 36 of the KIF1B gene, results from an A to C substitution at nucleotide position 4000. The lysine at codon 1334 is replaced by glutamine, an amino acid with similar properties. This amino acid position is conserved. In addition, the in silico prediction for this alteration is inconclusive. Based on the available evidence, the clinical significance of this variant remains unclear.

NM_001365951.3(KIF1B):c.4138A>C (p.Lys1380Gln)

Gene: KIF1B (kinesin family member 1B; plus strand). Cytogenetic location: 1p36.22.
Variant type: single nucleotide variant.
Coding change: c.4138A>C on transcript NM_001365951.3 (MANE Select); coding-DNA position 4138, A replaced by C.
Protein change: p.Lys1380Gln; replaces lysine 1380 with glutamine.
Molecular consequence: missense variant.
Genome position (GRCh38, 1-based): chr1:10,361,011, A>C. VCF-style: chr1-10361011-A-C. GRCh37 (hg19) VCF-style: chr1-10421069-A-C.
Other names: c.4138A>C, p.Lys1380Gln (NM_001365952.1); c.4000A>C, p.Lys1334Gln (NM_015074.3); short protein forms K1334Q, K1380Q.
Identifiers: ClinVar variation 3288417 (VCV003288417.1).